The following is an entry in ClinVar:

ClinVar aggregate classification (germline): Pathogenic (1 of 4 stars; one submission).

Allele frequency attached by ClinVar (database versions not stated): gnomAD exomes below 0.00001.

Submission:

Labcorp Genetics (formerly Invitae), Labcorp
Classification: Pathogenic. Last evaluated: 2023-11-02. Review status: criteria provided, single submitter. Criteria: Invitae Variant Classification Sherloc (09022015). Collection method: clinical testing. Allele origin: germline.
Comment: This sequence change creates a premature translational stop signal (p.Cys443Tyrfs*2) in the EIF2B4 gene. While this is not anticipated to result in nonsense mediated decay, it is expected to disrupt the last 80 amino acid(s) of the EIF2B4 protein. This variant is not present in population databases (gnomAD no frequency). This variant has not been reported in the literature in individuals affected with EIF2B4-related conditions. This variant disrupts a region of the EIF2B4 protein in which other variant(s) (p.Arg466Trp) have been determined to be pathogenic (PMID: 18263758, 27812215, 32180488, 34745209; Invitae). This suggests that this is a clinically significant region of the protein, and that variants that disrupt it are likely to be disease-causing. For these reasons, this variant has been classified as Pathogenic.

Literature cited by the submitters: PubMed 18263758; PubMed 27812215; PubMed 32180488; PubMed 34745209.

NM_001034116.2(EIF2B4):c.1331_1344del (p.Cys444fs)

Genes: EIF2B4 (eukaryotic translation initiation factor 2B subunit delta; minus strand), GTF3C2-AS2 (GTF3C2 antisense RNA 2; plus strand). Cytogenetic location: 2p23.3.
Variant type: Deletion.
Coding change: c.1331_1344del on transcript NM_001034116.2 (MANE Select); coding-DNA positions 1331 to 1344, 14 bases deleted (GTGAGCGTGTGCAG).
Protein change: p.Cys444fs; shifts the reading frame from cysteine 444.
Molecular consequence: frameshift variant.
Genome position (GRCh38, 1-based): chr2:27,364,746-27,364,759, CTGCACACGCTCAC deleted on the plus strand (GTGAGCGTGTGCAG on the coding strand, the reverse complement: EIF2B4 is on the minus strand). VCF-style (leftmost placement, unchanged base first): chr2-27364745-TCTGCACACGCTCAC-T. GRCh37 (hg19) VCF-style: chr2-27587612-TCTGCACACGCTCAC-T.
Other names: c.1394_1407del, p.Cys465fs (NM_001318965.2); c.1286_1299del, p.Cys429fs (NM_001318966.2); c.1238_1251del, p.Cys413fs (NM_001318967.2); c.746_759del, p.Cys249fs (NM_001318968.2); c.713_726del, p.Cys238fs (NM_001318969.2); c.1328_1341del, p.Cys443fs (NM_015636.4); c.1391_1404del, p.Cys464fs (NM_172195.4); short protein forms C413fs, C444fs, C429fs, C443fs, C465fs, C238fs, C249fs, C464fs.
Identifiers: ClinVar variation 2692765 (VCV002692765.3), dbSNP rs2465488757, ClinGen allele CA2658336175.
Genomic context (GRCh38, chr2:27,364,745, plus strand): 5'-AGGTAGCTGGAGGCTTCTCTTTTGCCTCCTTACCTAGCTCATTAGAGACAAAGGCATCAG[TCTGCACACGCTCAC>T]AGAACTTGTATGTTTCACAGCAAACCAGCACTGGTACATTATGGGCTCGAGCCACCAGGG-3'